The following is an entry in ClinVar:

ClinVar aggregate classification (germline): Uncertain significance (1 of 4 stars; one submission).

Submission:

Women's Health and Genetics/Laboratory Corporation of America, LabCorp
Classification: Uncertain significance. Last evaluated: 2025-12-26. Review status: criteria provided, single submitter. Criteria: LabCorp Variant Classification Summary - May 2015. Collection method: clinical testing. Allele origin: germline.
Comment: Variant summary: SPTAN1 c.4344+5G>A alters a nucleotide located close to a canonical splice site and therefore could affect mRNA splicing, leading to a significantly altered protein sequence. Several computational tools predict a significant impact on normal splicing: Five predict the variant weakens or abolishes a canonical 5' donor site. Three predict the variant creates a cryptic 5' donor site. However, these predictions have yet to be confirmed by functional studies. The variant was absent in 251476 control chromosomes (gnomAD). The available data on variant occurrences in the general population are insufficient to allow any conclusion about variant significance. To our knowledge, no occurrence of c.4344+5G>A in individuals affected with SPTAN1-related conditions and no experimental evidence demonstrating its impact on protein function have been reported. No submitters have cited clinical-significance assessments for this variant to ClinVar. Based on the evidence outlined above, the variant was classified as uncertain significance.

NM_001130438.3(SPTAN1):c.4344+5G>A

Gene: SPTAN1 (spectrin alpha, non-erythrocytic 1; plus strand). Cytogenetic location: 9q34.11.
Variant type: single nucleotide variant.
Coding change: c.4344+5G>A on transcript NM_001130438.3 (MANE Select); 5 bases into the intron after coding-DNA position 4344, G replaced by A.
Molecular consequence: intron variant.
Genome position (GRCh38, 1-based): chr9:128,608,054, G>A. VCF-style: chr9-128608054-G-A. GRCh37 (hg19) VCF-style: chr9-131370333-G-A.
Other names: c.4380+5G>A (NM_001375318.1, NM_001375312.2, NM_001438440.1); c.4344+5G>A (NM_001375311.2, NM_001375310.1, NM_001363759.2 and 4 more transcripts); c.4284+5G>A (NM_001375314.2, NM_001363765.2, NM_001438442.1 and 3 more transcripts).
Identifiers: ClinVar variation 4688776 (VCV004688776.1).